The following is an entry in ClinVar:

ClinVar aggregate classification (germline): Uncertain significance (1 of 4 stars; one submission).

Submission:

GeneDx
Classification: Uncertain significance. Last evaluated: 2024-06-10. Review status: criteria provided, single submitter. Criteria: GeneDx Variant Classification Process June 2021. Collection method: clinical testing. Allele origin: germline. Affected: yes.
Comment: Not observed at significant frequency in large population cohorts (gnomAD); In silico analysis indicates that this missense variant does not alter protein structure/function; Has not been previously published as pathogenic or benign to our knowledge

NM_006206.6(PDGFRA):c.910A>G (p.Lys304Glu)

Gene: PDGFRA (platelet derived growth factor receptor alpha; plus strand). Cytogenetic location: 4q12.
Variant type: single nucleotide variant.
Coding change: c.910A>G on transcript NM_006206.6 (MANE Select); coding-DNA position 910, A replaced by G.
Protein change: p.Lys304Glu; replaces lysine 304 with glutamic acid.
Molecular consequence: missense variant.
Genome position (GRCh38, 1-based): chr4:54,267,439, A>G. VCF-style: chr4-54267439-A-G. GRCh37 (hg19) VCF-style: chr4-55133606-A-G.
Other names: c.910A>G, p.Lys304Glu (NM_001347827.2, NM_001347829.2); c.985A>G, p.Lys329Glu (NM_001347828.2); c.949A>G, p.Lys317Glu (NM_001347830.2); short protein forms K304E, K317E, K329E.
Identifiers: ClinVar variation 3390833 (VCV003390833.1).
Genomic context (GRCh38, chr4:54,267,439, plus strand): 5'-GACAGTGGAGATTACGAATGTGCTGCCCGCCAGGCTACCAGGGAGGTCAAAGAAATGAAG[A>G]AAGTCACTATTTCTGTCCATGGTACATTCCGCTTTCTAAAATGTCAGTTGTCCATGCTGC-3'
Protein context (NP_006197.1, residues 294-314): QATREVKEMK[Lys304Glu]VTISVHEKGF